The following is an entry in ClinVar:

NM_001130438.3(SPTAN1):c.6876C>T (p.Thr2292=)

Gene: SPTAN1 (spectrin alpha, non-erythrocytic 1; plus strand). Cytogenetic location: 9q34.11.
Variant type: single nucleotide variant.
Coding change: c.6876C>T on transcript NM_001130438.3 (MANE Select); coding-DNA position 6876, C replaced by T.
Protein change: p.Thr2292=; no amino-acid change (threonine 2292 retained).
Molecular consequence: synonymous variant.
Genome position (GRCh38, 1-based): chr9:128,632,240, C>T. VCF-style: chr9-128632240-C-T. GRCh37 (hg19) VCF-style: chr9-131394519-C-T.
Other names: c.6801C>T, p.Thr2267= (NM_001195532.2); c.6939C>T, p.Thr2313= (NM_001363759.2); c.6816C>T, p.Thr2272= (NM_001363765.2); c.6861C>T, p.Thr2287= (NM_003127.4).
Identifiers: ClinVar variation 365179 (VCV000365179.41), dbSNP rs886063509, ClinGen allele CA10626532.
Genomic context (GRCh38, chr9:128,632,240, plus strand): 5'-CCTGGGGGCCGCCATGGAGGAGGCCCTCATCCTGGACAACAAGTACACGGAGCACAGCAC[C>T]GTGGGCCTCGCCCAGCAGTGGGACCAGCTGGACCAGCTGGGCATGCGCATGCAGCACAAC-3'
Protein context (NP_001123910.1, residues 2282-2302): ILDNKYTEHS[Thr2292=]VGLAQQWDQL

ClinVar aggregate classification (germline): Likely benign. Review status: criteria provided, multiple submitters, no conflicts (2 of 4 stars). 4 submissions from 4 submitters: Likely benign (4). Last evaluated 2026-08-01.

Conditions:
Inborn genetic diseases. Identifiers: MedGen C0950123, MeSH D030342.
Early-infantile DEE. Also called: Ohtahara syndrome; Early infantile epileptic encephalopathy; Early infantile epileptic encephalopathy with suppression bursts. Identifiers: Orphanet 1934, MedGen C0393706, MONDO:0800491.

Allele frequency attached by ClinVar (database versions not stated): gnomAD exomes 0.00001 and 0.00005; gnomAD 0.00003 and 0.00004; TOPMed 0.00003.

Submissions (4):

CeGaT Center for Human Genetics Tuebingen
Classification: Likely benign. Last evaluated: 2026-08-01. Review status: criteria provided, single submitter. Criteria: CeGaT Center For Human Genetics Tuebingen Variant Classification Criteria Version 2. Collection method: clinical testing. Allele origin: germline. Affected: yes. Observed: 3 variant alleles.
Comment: SPTAN1: BP4, BP7

Labcorp Genetics (formerly Invitae), Labcorp
Classification: Likely benign for Early-infantile DEE. Last evaluated: 2025-03-20. Review status: criteria provided, single submitter. Criteria: Invitae Variant Classification Sherloc (09022015). Collection method: clinical testing. Allele origin: germline.

GeneDx
Classification: Likely benign. Last evaluated: 2020-01-13. Review status: criteria provided, single submitter. Criteria: GeneDx Variant Classification Process June 2021. Collection method: clinical testing. Allele origin: germline. Affected: yes.

Ambry Genetics
Classification: Likely benign for Inborn genetic diseases. Last evaluated: 2016-07-26. Review status: criteria provided, single submitter. Criteria: Ambry Variant Classification Scheme 2023. Collection method: clinical testing. Allele origin: germline.